The following is an entry in ClinVar:

NM_020911.2(PLXNA4):c.4286+6_4286+7insT

Gene: PLXNA4 (plexin A4; minus strand). Cytogenetic location: 7q32.3.
Variant type: Insertion.
Coding change: c.4286+6_4286+7insT on transcript NM_020911.2 (MANE Select); bases 6 to 7 of the intron after coding-DNA position 4286, T inserted.
Molecular consequence: intron variant.
Genome position: GRCh38 VCF-style: chr7-132168297-C-CA. GRCh37 (hg19) VCF-style: chr7-131853056-C-CA.
Other names: c.4286+6_4286+7insT (NM_001393897.1).
Identifiers: ClinVar variation 5000636 (VCV005000636.1).

ClinVar aggregate classification (germline): Uncertain significance (1 of 4 stars; one submission).

Conditions:
PLXNA4-related disorder. Also called: PLXNA4-related condition.

Submission:

PreventionGenetics, part of Exact Sciences
Classification: Uncertain significance for PLXNA4-related condition. Last evaluated: 2025-03-08. Review status: criteria provided, single submitter. Criteria: ACMG Guidelines, 2015. Collection method: clinical testing. Allele origin: germline.
Comment: The PLXNA4 c.4286+6_4286+7insT variant is predicted to result in an in-frame amino acid insertion (Intronic). This variant is predicted to alter splicing based on available splicing prediction programs (SpliceAI, Jaganathan et al. 2019. PubMed ID: 30661751). To our knowledge, this variant has not been reported in the literature or in a large population database (gnomAD), indicating this variant is rare. At this time, the clinical significance of this variant is uncertain due to the absence of conclusive functional and genetic evidence.